The following is an entry in ClinVar:

NM_005629.4(SLC6A8):c.1597-19G>A

Gene: SLC6A8 (solute carrier family 6 member 8; plus strand). Cytogenetic location: Xq28.
Variant type: single nucleotide variant.
Coding change: c.1597-19G>A on transcript NM_005629.4 (MANE Select); 19 bases into the intron before coding-DNA position 1597, G replaced by A.
Molecular consequence: intron variant.
Genome position (GRCh38, 1-based): chrX:153,694,700, G>A. VCF-style: chrX-153694700-G-A. GRCh37 (hg19) VCF-style: chrX-152960155-G-A.
Other names: c.1567-19G>A (NM_001142805.2); c.1252-19G>A (NM_001142806.1).
Identifiers: ClinVar variation 516201 (VCV000516201.9), dbSNP rs202118923, ClinGen allele CA10549594.

ClinVar aggregate classification (germline): Benign/Likely benign. Review status: criteria provided, multiple submitters, no conflicts (2 of 4 stars). 2 submissions from 2 submitters: Benign (1); Likely benign (1). Last evaluated 2026-01-28.

Conditions:
Creatine transporter deficiency (CCDS1). Also called: Creatine Transporter (CRTR) Deficiency; Mental retardation , X-linked with seizures, short stature and midface hypoplasia; Mental retardation , X-linked, with creatine transport deficiency; X-linked creatine transporter deficiency; X-linked creatine deficiency syndrome; SLC6A8-Related Creatine Transporter Deficiency. Identifiers: Orphanet 52503, MedGen C1845862, MONDO:0010305, OMIM 300352.

Allele frequency attached by ClinVar (database versions not stated): gnomAD exomes 0.00006 and 0.00014; ExAC 0.00017; ESP Exome Variant Server 0.00028; gnomAD 0.00054 and 0.00057; TOPMed 0.00058; 1000 Genomes Project 0.00079; 1000 Genomes Project 30x 0.00083.

Submissions (2):

Labcorp Genetics (formerly Invitae), Labcorp
Classification: Benign for Creatine transporter deficiency. Last evaluated: 2026-01-28. Review status: criteria provided, single submitter. Criteria: Invitae Variant Classification Sherloc (09022015). Collection method: clinical testing. Allele origin: germline.

GeneDx
Classification: Likely benign. Last evaluated: 2017-11-09. Review status: criteria provided, single submitter. Criteria: GeneDx Variant Classification (06012015). Collection method: clinical testing. Allele origin: germline. Affected: yes.
Comment: This variant is considered likely benign or benign based on one or more of the following criteria: it is a conservative change, it occurs at a poorly conserved position in the protein, it is predicted to be benign by multiple in silico algorithms, and/or has population frequency not consistent with disease.